The following is an entry in ClinVar:

ClinVar aggregate classification (germline): Uncertain significance (1 of 4 stars; one submission).

Submission:

Ambry Genetics
Classification: Uncertain significance. Last evaluated: 2022-10-22. Review status: criteria provided, single submitter. Criteria: Ambry Variant Classification Scheme 2023. Collection method: clinical testing. Allele origin: germline.
Comment: The p.H759Y variant (also known as c.2275C>T), located in coding exon 4 of the ALPK2 gene, results from a C to T substitution at nucleotide position 2275. The histidine at codon 759 is replaced by tyrosine, an amino acid with similar properties. This amino acid position is conserved. In addition, this alteration is predicted to be tolerated by in silico analysis. Since supporting evidence is limited at this time, the clinical significance of this alteration remains unclear.

NM_052947.4(ALPK2):c.2275C>T (p.His759Tyr)

Gene: ALPK2 (alpha kinase 2; minus strand). Cytogenetic location: 18q21.31.
Variant type: single nucleotide variant.
Coding change: c.2275C>T on transcript NM_052947.4 (MANE Select); coding-DNA position 2275, C replaced by T.
Protein change: p.His759Tyr; replaces histidine 759 with tyrosine.
Molecular consequence: missense variant.
Genome position (GRCh38, 1-based): chr18:58,537,912, G>A on the plus strand (C>T on the coding strand, the complement: ALPK2 is on the minus strand). VCF-style: chr18-58537912-G-A. GRCh37 (hg19) VCF-style: chr18-56205144-G-A.
Other names: short protein forms H759Y.
Identifiers: ClinVar variation 1788846 (VCV001788846.2), dbSNP rs2518877903, ClinGen allele CA402571111.